The following is an entry in ClinVar:

ClinVar aggregate classification (germline): Likely pathogenic. Review status: criteria provided, multiple submitters, no conflicts (2 of 4 stars). 3 submissions from 3 submitters: Likely pathogenic (2). 1 of the submissions does not count toward it. Last evaluated 2024-03-13.

Conditions:
Classic homocystinuria. Also called: Homocystinuria due to Cystathionine Beta-Synthase Deficiency; Homocystinuria due to CBS deficiency; Cystathionine beta-synthase deficiency; CBS deficiency; HOMOCYSTINURIA WITH OR WITHOUT RESPONSE TO PYRIDOXINE. Identifiers: Orphanet 394, MedGen C0751202, MONDO:0009352, OMIM 236200.
HYPERHOMOCYSTEINEMIA, THROMBOTIC, CBS-RELATED. Identifiers: MedGen C3150344, OMIM 236200.

Submissions (3):

Mayo Clinic Laboratories, Mayo Clinic
Classification: Likely pathogenic. Last evaluated: 2024-03-13. Review status: criteria provided, single submitter. Criteria: ACMG Guidelines, 2015. Collection method: clinical testing. Allele origin: germline. Observed: 1 variant allele.
Comment: PM2, PM3_supporting, PS4_supporting, PVS1_strong

Labcorp Genetics (formerly Invitae), Labcorp
Classification: Likely pathogenic for HYPERHOMOCYSTEINEMIA, THROMBOTIC, CBS-RELATED. Last evaluated: 2022-10-22. Review status: criteria provided, single submitter. Criteria: Invitae Variant Classification Sherloc (09022015). Collection method: clinical testing. Allele origin: germline.
Comment: This sequence change affects a donor splice site in intron 5 of the CBS gene. It is expected to disrupt RNA splicing. Variants that disrupt the donor or acceptor splice site typically lead to a loss of protein function (PMID: 16199547), and loss-of-function variants in CBS are known to be pathogenic (PMID: 10338090, 12124992). This variant is not present in population databases (gnomAD no frequency). This variant has not been reported in the literature in individuals affected with CBS-related conditions. ClinVar contains an entry for this variant (Variation ID: 552801). Algorithms developed to predict the effect of sequence changes on RNA splicing suggest that this variant may disrupt the consensus splice site. In summary, the currently available evidence indicates that the variant is pathogenic, but additional data are needed to prove that conclusively. Therefore, this variant has been classified as Likely Pathogenic.

Counsyl
Classification: Likely pathogenic for Classic homocystinuria. Last evaluated: 2017-07-07. Review status: no assertion criteria provided. Collection method: clinical testing. Allele origin: unknown. Not counted in ClinVar's aggregate classification.

Literature cited by the submitters: PubMed 11483494 (cited by Mayo Clinic Laboratories, Mayo Clinic); PubMed 22382802 (cited by Mayo Clinic Laboratories, Mayo Clinic and Counsyl); PubMed 16199547 (cited by Labcorp Genetics (formerly Invitae), Labcorp); PubMed 10338090 (cited by Labcorp Genetics (formerly Invitae), Labcorp); PubMed 12124992 (cited by Labcorp Genetics (formerly Invitae), Labcorp).

NM_000071.3(CBS):c.451+1G>T

Gene: CBS (cystathionine beta-synthase; minus strand). Cytogenetic location: 21q22.3.
Variant type: single nucleotide variant.
Coding change: c.451+1G>T on transcript NM_000071.3 (MANE Select); the canonical splice donor site of the intron after coding-DNA position 451, G replaced by T.
Molecular consequence: splice donor variant.
Genome position (GRCh38, 1-based): chr21:43,066,242, C>A on the plus strand (G>T on the coding strand, the complement: CBS is on the minus strand). VCF-style: chr21-43066242-C-A. GRCh37 (hg19) VCF-style: chr21-44486352-C-A.
Other names: c.451+1G>T (NM_001320298.2, NM_001178009.3, NM_001178008.3); c.136+1G>T (NM_001321072.1).
Identifiers: ClinVar variation 552801 (VCV000552801.9), dbSNP rs1555875292, ClinGen allele CA410601597.
Genomic context (GRCh38, chr21:43,066,242, plus strand): 5'-CAGGCTCGGCATGGGTAGGGGACAGCCAGCCCTGGCCACCCCCTCTGGGCCTGGCACCCA[C>A]CGGTGTTCCCGGATGTCGGCTCGATAATCGTGTCCCCGGGCTTCAGCGTCCCGTCGCGCT-3'